The following is an entry in ClinVar:

ClinVar aggregate classification (germline): Pathogenic (1 of 4 stars; one submission).

Conditions:
Marfan syndrome (MFS). Also called: MARFAN SYNDROME, TYPE I; Marfan syndrome type 1; Marfan's syndrome; Marfan syndrome, classic; FBN1-Related Marfan Syndrome. Identifiers: Orphanet 284963, Orphanet 558, MedGen C0024796, MONDO:0007947, OMIM 154700.
Familial thoracic aortic aneurysm and aortic dissection (TAAD). Also called: Thoracic aortic aneurysms and dissections. Identifiers: Orphanet 91387, MedGen C4707243, MONDO:0019625.

Submission:

Labcorp Genetics (formerly Invitae), Labcorp
Classification: Pathogenic for Marfan syndrome; Familial thoracic aortic aneurysm and aortic dissection. Last evaluated: 2024-05-31. Review status: criteria provided, single submitter. Criteria: Invitae Variant Classification Sherloc (09022015). Collection method: clinical testing. Allele origin: germline.
Comment: This sequence change creates a premature translational stop signal (p.Leu535Tyrfs*44) in the FBN1 gene. It is expected to result in an absent or disrupted protein product. Loss-of-function variants in FBN1 are known to be pathogenic (PMID: 17657824, 19293843). This variant is not present in population databases (gnomAD no frequency). This premature translational stop signal has been observed in individual(s) with Marfan syndrome (PMID: 7611299). For these reasons, this variant has been classified as Pathogenic.

Literature cited by the submitters: PubMed 17657824; PubMed 19293843; PubMed 7611299.

NM_000138.5(FBN1):c.1604del (p.Leu535fs)

Gene: FBN1 (fibrillin 1; minus strand). Cytogenetic location: 15q21.1.
Variant type: Deletion.
Coding change: c.1604del on transcript NM_000138.5 (MANE Select); coding-DNA position 1604, one base deleted (T; older notation c.1604delT).
Protein change: p.Leu535fs; shifts the reading frame from leucine 535.
Molecular consequence: frameshift variant.
Genome position (GRCh38, 1-based): chr15:48,510,154, A deleted on the plus strand (T on the coding strand, the reverse complement: FBN1 is on the minus strand); the first of 3 consecutive A bases (chr15:48,510,154-48,510,156); deleting any one gives the same sequence. VCF-style (leftmost placement, unchanged base first): chr15-48510153-TA-T. GRCh37 (hg19) VCF-style: chr15-48802350-TA-T.
Other names: c.1604del, p.Leu535fs (NM_001406716.1); short protein forms L535fs.
Identifiers: ClinVar variation 3759297 (VCV003759297.2).
Genomic context (GRCh38, chr15:48,510,153, plus strand): 5'-GCAATGAAAACTGCCATCTGTGTTGATGCAGCGTCCATTATTGCAGATCCGGCCATTCTG[TA>T]AACACTCATCAATGTCTAAAATCAAAGTTTAAAAAGAAGAAATAGCTTTATTTAGGGGAG-3'